The following is an entry in ClinVar:

NM_006514.4(SCN10A):c.5757G>A (p.Pro1919=)

Gene: SCN10A (sodium voltage-gated channel alpha subunit 10; minus strand). Cytogenetic location: 3p22.2.
Variant type: single nucleotide variant.
Coding change: c.5757G>A on transcript NM_006514.4 (MANE Select); coding-DNA position 5757, G replaced by A.
Protein change: p.Pro1919=; no amino-acid change (proline 1919 retained).
Molecular consequence: synonymous variant.
Genome position (GRCh38, 1-based): chr3:38,697,463, C>T on the plus strand (G>A on the coding strand, the complement: SCN10A is on the minus strand). VCF-style: chr3-38697463-C-T. GRCh37 (hg19) VCF-style: chr3-38738954-C-T.
Other names: c.5754G>A, p.Pro1918= (NM_001293306.2); c.5463G>A, p.Pro1821= (NM_001293307.2).
Identifiers: ClinVar variation 391298 (VCV000391298.11), dbSNP rs145340685, ClinGen allele CA2319608.

ClinVar aggregate classification (germline): Likely benign. Review status: criteria provided, multiple submitters, no conflicts (2 of 4 stars). 4 submissions from 4 submitters: Likely benign (4). Last evaluated 2024-09-18.

Conditions:
Cardiovascular phenotype. Identifiers: MedGen CN230736.
Brugada syndrome. Also called: Sudden unexpected nocturnal death syndrome; Sudden unexplained nocturnal death syndrome; Sudden Unexplained Death Syndrome; Sudden Unexplained Nocturnal Death Syndrome (SUNDS). Identifiers: Orphanet 130, MedGen C1142166, MONDO:0015263.

Allele frequency attached by ClinVar (database versions not stated): gnomAD 0.00001; ExAC 0.00003; gnomAD exomes 0.00004 and 0.00005; ESP Exome Variant Server 0.00008.
gnomAD v4.1: 76 of 1,613,980 alleles (0.0047%); highest among the groups gnomAD compares: Middle Eastern, 0.016%; no homozygotes.

Submissions (4):

Blueprint Genetics
Classification: Likely benign. Last evaluated: 2024-09-18. Review status: criteria provided, single submitter. Criteria: ACMG Guidelines, 2015. Collection method: clinical testing. Allele origin: germline.

Labcorp Genetics (formerly Invitae), Labcorp
Classification: Likely benign for Brugada syndrome. Last evaluated: 2024-02-07. Review status: criteria provided, single submitter. Criteria: Invitae Variant Classification Sherloc (09022015). Collection method: clinical testing. Allele origin: germline.

Ambry Genetics
Classification: Likely benign for Cardiovascular phenotype. Last evaluated: 2019-07-11. Review status: criteria provided, single submitter. Criteria: Ambry Variant Classification Scheme 2023. Collection method: clinical testing. Allele origin: germline.

GeneDx
Classification: Likely benign. Last evaluated: 2016-11-29. Review status: criteria provided, single submitter. Criteria: GeneDx Variant Classification (06012015). Collection method: clinical testing. Allele origin: germline. Affected: yes.
Comment: This variant is considered likely benign or benign based on one or more of the following criteria: it is a conservative change, it occurs at a poorly conserved position in the protein, it is predicted to be benign by multiple in silico algorithms, and/or has population frequency not consistent with disease.